The following is an entry in ClinVar:

ClinVar aggregate classification (germline): Pathogenic (1 of 4 stars; one submission).

Submission:

Athena Diagnostics
Classification: Pathogenic. Last evaluated: 2021-11-11. Review status: criteria provided, single submitter. Criteria: Athena Diagnostics Criteria. Collection method: clinical testing. Allele origin: unknown.
Comment: This variant has not been reported in large, multi-ethnic general populations. This variant has been identified in at least one individual with clinical features associated with this gene. This variant alters a critical location within the protein, and is expected to severely affect function and cause disease. Greater than 90% of pathogenic variants identified in NOTCH3 involve the gain or loss of a cysteine residue within the epidermal growth factor (EGF)-like repeat domain.

Literature cited by the submitters: PubMed 21465151.

NM_000435.3(NOTCH3):c.3065G>T (p.Cys1022Phe)

Gene: NOTCH3 (notch receptor 3; minus strand). Cytogenetic location: 19p13.12.
Variant type: single nucleotide variant.
Coding change: c.3065G>T on transcript NM_000435.3 (MANE Select); coding-DNA position 3065, G replaced by T.
Protein change: p.Cys1022Phe; replaces cysteine 1022 with phenylalanine.
Molecular consequence: missense variant.
Genome position (GRCh38, 1-based): chr19:15,180,758, C>A on the plus strand (G>T on the coding strand, the complement: NOTCH3 is on the minus strand). VCF-style: chr19-15180758-C-A. GRCh37 (hg19) VCF-style: chr19-15291569-C-A.
Other names: short protein forms C1022F.
Identifiers: ClinVar variation 447826 (VCV000447826.2), dbSNP rs1555727930, ClinGen allele CA404514274.